The following is an entry in ClinVar:

NM_002335.4(LRP5):c.2951A>G (p.Tyr984Cys)

Gene: LRP5 (LDL receptor related protein 5; plus strand). Cytogenetic location: 11q13.2.
Variant type: single nucleotide variant.
Coding change: c.2951A>G on transcript NM_002335.4 (MANE Select); coding-DNA position 2951, A replaced by G.
Protein change: p.Tyr984Cys; replaces tyrosine 984 with cysteine.
Molecular consequence: missense variant.
Genome position (GRCh38, 1-based): chr11:68,416,451, A>G. VCF-style: chr11-68416451-A-G. GRCh37 (hg19) VCF-style: chr11-68183919-A-G.
Other names: c.1208A>G, p.Tyr403Cys (NM_001291902.2); c.2951A>G (NM_002335.3); short protein forms Y984C, Y403C.
Identifiers: ClinVar variation 283834 (VCV000283834.19), dbSNP rs759674127, ClinGen allele CA6149795.

ClinVar aggregate classification (germline): Uncertain significance. Review status: criteria provided, multiple submitters, no conflicts (2 of 4 stars). 8 submissions from 8 submitters: Uncertain significance (8). Last evaluated 2026-04-03.

Conditions:
Polycystic liver disease 4 with or without kidney cysts. Identifiers: MedGen C4693479, MONDO:0044327, OMIM 617875.
Exudative vitreoretinopathy 1 (EVR1). Also called: FEVR, AUTOSOMAL DOMINANT; Familial exudative vitreoretinopathy, autosomal dominant; CRISWICK-SCHEPENS SYNDROME. Identifiers: Orphanet 891, Orphanet 90050, MedGen C1851402, MONDO:0007589, OMIM 133780.
Osteoporosis. Identifiers: MedGen C0029456, MONDO:0005298, OMIM 166710, HP:0000939.
Osteoporosis with pseudoglioma (OPPG). Also called: osteoporosis-pseudoglioma syndrome. Identifiers: Orphanet 2788, MedGen C0432252, MONDO:0009820, OMIM 259770.
Worth disease. Also called: OSTEOSCLEROSIS, AUTOSOMAL DOMINANT; ENDOSTEAL HYPEROSTOSIS, AUTOSOMAL DOMINANT; Autosomal dominant osteosclerosis, Worth type. Identifiers: Orphanet 2790, MedGen C0432273, MONDO:0007764, OMIM 144750.
Exudative vitreoretinopathy 4 (EVR4). Identifiers: Orphanet 891, MedGen C1866176, MONDO:0011151, OMIM 601813.
Autosomal dominant osteopetrosis 1 (OPTA1). Also called: OSTEOPETROSIS, AUTOSOMAL DOMINANT, TYPE I. Identifiers: Orphanet 2783, MedGen C1843330, MONDO:0011877, OMIM 607634.
Bone mineral density quantitative trait locus 1 (BMND1). Identifiers: MedGen C1866079, OMIM 601884.
LRP5-related disorder. Also called: LRP5-related condition.
Inborn genetic diseases. Identifiers: MedGen C0950123, MeSH D030342.

Allele frequency attached by ClinVar (database versions not stated): TOPMed 0.00006; ExAC 0.00002; gnomAD exomes 0.00002 and 0.00003; gnomAD 0.00005 and 0.00006.
gnomAD v4.1: 44 of 1,614,086 alleles (0.0027%); highest among the groups gnomAD compares: Admixed American, 0.005%; no homozygotes.

Submissions (8):

PreventionGenetics, part of Exact Sciences
Classification: Uncertain significance for LRP5-related condition. Last evaluated: 2026-04-03. Review status: criteria provided, single submitter. Criteria: ACMG Guidelines, 2015. Collection method: clinical testing. Allele origin: germline.
Comment: The LRP5 c.2951A>G variant is predicted to result in the amino acid substitution p.Tyr984Cys. This variant has been reported in the heterozygous state in an individual with rod-cone dystrophy (Supplemental Table 2, Ganapathi et al. 2022. PubMed ID: 35672425). This variant is reported in 0.0062% of alleles in individuals of African descent in gnomAD. At this time, the clinical significance of this variant is uncertain due to the absence of conclusive functional and genetic evidence.

Ambry Genetics
Classification: Uncertain significance for Inborn genetic diseases. Last evaluated: 2025-04-11. Review status: criteria provided, single submitter. Criteria: Ambry Variant Classification Scheme 2023. Collection method: clinical testing. Allele origin: germline.

Women's Health and Genetics/Laboratory Corporation of America, LabCorp
Classification: Uncertain significance. Last evaluated: 2025-02-25. Review status: criteria provided, single submitter. Criteria: LabCorp Variant Classification Summary - May 2015. Collection method: clinical testing. Allele origin: germline.
Comment: Variant summary: LRP5 c.2951A>G (p.Tyr984Cys) results in a non-conservative amino acid change in the encoded protein sequence. Five of five in-silico tools predict a damaging effect of the variant on protein function. The variant allele was found at a frequency of 2e-05 in 251424 control chromosomes. The available data on variant occurrences in the general population are insufficient to allow any conclusion about variant significance. c.2951A>G has been reported in the literature in at-least one heterozygous individual affected with rod-cone dystrophy (example: Ganapathi_2022). This report does not provide unequivocal conclusions about association of the variant with Familial Exudative Vitreoretinopathy. To our knowledge, no experimental evidence demonstrating an impact on protein function has been reported. The following publication has been ascertained in the context of this evaluation (PMID: 35672425). ClinVar contains an entry for this variant (Variation ID: 283834). Based on the evidence outlined above, the variant was classified as uncertain significance.

Labcorp Genetics (formerly Invitae), Labcorp
Classification: Uncertain significance. Last evaluated: 2024-05-22. Review status: criteria provided, single submitter. Criteria: Invitae Variant Classification Sherloc (09022015). Collection method: clinical testing. Allele origin: germline.
Comment: This sequence change replaces tyrosine, which is neutral and polar, with cysteine, which is neutral and slightly polar, at codon 984 of the LRP5 protein (p.Tyr984Cys). This variant is present in population databases (rs759674127, gnomAD 0.01%). This variant has not been reported in the literature in individuals affected with LRP5-related conditions. ClinVar contains an entry for this variant (Variation ID: 283834). Advanced modeling of protein sequence and biophysical properties (such as structural, functional, and spatial information, amino acid conservation, physicochemical variation, residue mobility, and thermodynamic stability) has been performed at Invitae for this missense variant, however the output from this modeling did not meet the statistical confidence thresholds required to predict the impact of this variant on LRP5 protein function. In summary, the available evidence is currently insufficient to determine the role of this variant in disease. Therefore, it has been classified as a Variant of Uncertain Significance.

GeneDx
Classification: Uncertain significance. Last evaluated: 2023-08-12. Review status: criteria provided, single submitter. Criteria: GeneDx Variant Classification Process June 2021. Collection method: clinical testing. Allele origin: germline. Affected: yes.
Comment: Has not been previously published as pathogenic or benign to our knowledge; In silico analysis supports that this missense variant has a deleterious effect on protein structure/function

Fulgent Genetics
Classification: Uncertain significance for Exudative vitreoretinopathy 1; Worth disease; Osteoporosis; Osteoporosis with pseudoglioma; Exudative vitreoretinopathy 4; Bone mineral density quantitative trait locus 1; Autosomal dominant osteopetrosis 1; Polycystic liver disease 4 with or without kidney cysts. Last evaluated: 2022-04-01. Review status: criteria provided, single submitter. Criteria: ACMG Guidelines, 2015. Collection method: clinical testing. Allele origin: unknown.

Blueprint Genetics
Classification: Uncertain significance. Last evaluated: 2022-02-04. Review status: criteria provided, single submitter. Criteria: ACMG Guidelines, 2015. Collection method: clinical testing. Allele origin: germline.

Eurofins Ntd Llc (ga)
Classification: Uncertain significance. Last evaluated: 2015-10-26. Review status: criteria provided, single submitter. Criteria: EGL Classification Definitions 2015. Collection method: clinical testing. Allele origin: germline. Observed: 1 variant allele, 1 heterozygote.

Literature cited by the submitters: PubMed 35672425 (cited by Women's Health and Genetics/Laboratory Corporation of America, LabCorp).